The following is an entry in ClinVar:

NM_002838.5(PTPRC):c.700A>G (p.Asn234Asp)

Gene: PTPRC (protein tyrosine phosphatase receptor type C; plus strand). Cytogenetic location: 1q32.1.
Variant type: single nucleotide variant.
Coding change: c.700A>G on transcript NM_002838.5 (MANE Select); coding-DNA position 700, A replaced by G.
Protein change: p.Asn234Asp; replaces asparagine 234 with aspartic acid.
Molecular consequence: missense variant.
Genome position (GRCh38, 1-based): chr1:198,706,748, A>G. VCF-style: chr1-198706748-A-G. GRCh37 (hg19) VCF-style: chr1-198675877-A-G.
Other names: c.217A>G, p.Asn73Asp (NM_080921.4); c.694A>G (NM_002838.3); short protein forms N234D, N73D.
Identifiers: ClinVar variation 577072 (VCV000577072.11), dbSNP rs535416574, ClinGen allele CA1314607.

ClinVar aggregate classification (germline): Uncertain significance. Review status: criteria provided, multiple submitters, no conflicts (2 of 4 stars). 3 submissions from 3 submitters: Uncertain significance (3). Last evaluated 2022-05-05.

Conditions:
Inborn genetic diseases. Identifiers: MedGen C0950123, MeSH D030342.
Immunodeficiency 105 (IMD105). Also called: Immunodeficiency 105, severe combined. Identifiers: MedGen C5677005, MONDO:0800104, OMIM 619924.
Immunodeficiency 104. Also called: SCID, AUTOSOMAL RECESSIVE, T CELL-NEGATIVE, B CELL-POSITIVE, NK CELL-POSITIVE; Severe Combined Immune Deficiency, Autosomal Recessive, TCell -Negative, B Cell-Positive, NK Cell-Positive, IL7R-Related; Severe combined immunodeficiency, autosomal recessive, T cell-negative, B cell-positive, NK cell-positive; IMMUNODEFICIENCY 104, SEVERE COMBINED. Identifiers: MedGen C5676890, MONDO:0012163, OMIM 608971.

Allele frequency attached by ClinVar (database versions not stated): ExAC 0.00001; gnomAD 0.00004; TOPMed 0.00005; gnomAD exomes 0.00006 and 0.00008; 1000 Genomes Project 0.00020; 1000 Genomes Project 30x 0.00031.
gnomAD v4.1: 94 of 1,609,848 alleles (0.0058%); highest among the groups gnomAD compares: Admixed American, 0.033%; no homozygotes.

Submissions (3):

Labcorp Genetics (formerly Invitae), Labcorp
Classification: Uncertain significance for Immunodeficiency 104. Last evaluated: 2022-05-05. Review status: criteria provided, single submitter. Criteria: Invitae Variant Classification Sherloc (09022015). Collection method: clinical testing. Allele origin: germline.
Comment: This sequence change replaces asparagine, which is neutral and polar, with aspartic acid, which is acidic and polar, at codon 234 of the PTPRC protein (p.Asn234Asp). This variant is present in population databases (rs535416574, gnomAD 0.05%). This variant has not been reported in the literature in individuals affected with PTPRC-related conditions. ClinVar contains an entry for this variant (Variation ID: 577072). Algorithms developed to predict the effect of missense changes on protein structure and function output the following: SIFT: "Tolerated"; PolyPhen-2: "Benign"; Align-GVGD: "Class C0". The aspartic acid amino acid residue is found in multiple mammalian species, which suggests that this missense change does not adversely affect protein function. In summary, the available evidence is currently insufficient to determine the role of this variant in disease. Therefore, it has been classified as a Variant of Uncertain Significance.

Revvity Omics, Revvity
Classification: Uncertain significance for Immunodeficiency 105. Last evaluated: 2021-10-16. Review status: criteria provided, single submitter. Criteria: ACMG Guidelines, 2015. Collection method: clinical testing. Allele origin: germline.

Ambry Genetics
Classification: Uncertain significance for Inborn genetic diseases. Last evaluated: 2021-06-18. Review status: criteria provided, single submitter. Criteria: Ambry Variant Classification Scheme 2023. Collection method: clinical testing. Allele origin: germline.